The following is an entry in ClinVar:

ClinVar aggregate classification (germline): Conflicting classifications of pathogenicity. Review status: criteria provided, conflicting classifications (1 of 4 stars). 3 submissions from 3 submitters: Uncertain significance (2); Likely benign (1). Last evaluated 2026-02-03.

Conditions:
Inborn genetic diseases. Identifiers: MedGen C0950123, MeSH D030342.

gnomAD v4.1: 166 of 1,613,104 alleles (0.01%); highest among the groups gnomAD compares: Non-Finnish European, 0.013%; no homozygotes.

Submissions (3):

Women's Health and Genetics/Laboratory Corporation of America, LabCorp
Classification: Uncertain significance. Last evaluated: 2026-02-03. Review status: criteria provided, single submitter. Criteria: LabCorp Variant Classification Summary - May 2015. Collection method: clinical testing. Allele origin: germline.
Comment: Variant summary: C1S c.902A>C (p.Asn301Thr) results in a non-conservative amino acid change located in the Sushi/SCR/CCP domain (IPR000436) of the encoded protein sequence. Algorithms developed to predict the effect of missense changes on protein structure and function are either unavailable or do not agree on the potential impact of this missense change. The variant allele was found at a frequency of 2.4e-05 in 251476 control chromosomes. The available data on variant occurrences in the general population are insufficient to allow any conclusion about variant significance. To our knowledge, no occurrence of c.902A>C in individuals affected with C1S-related conditions and no experimental evidence demonstrating its impact on protein function have been reported. ClinVar contains an entry for this variant (Variation ID: 2177142). Based on the evidence outlined above, the variant was classified as uncertain significance.

Labcorp Genetics (formerly Invitae), Labcorp
Classification: Uncertain significance. Last evaluated: 2025-05-07. Review status: criteria provided, single submitter. Criteria: Invitae Variant Classification Sherloc (09022015). Collection method: clinical testing. Allele origin: germline.
Comment: This sequence change replaces asparagine, which is neutral and polar, with threonine, which is neutral and polar, at codon 301 of the C1S protein (p.Asn301Thr). This variant is present in population databases (rs782630063, gnomAD 0.004%). This variant has not been reported in the literature in individuals affected with C1S-related conditions. ClinVar contains an entry for this variant (Variation ID: 2177142). Invitae Evidence Modeling of protein sequence and biophysical properties (such as structural, functional, and spatial information, amino acid conservation, physicochemical variation, residue mobility, and thermodynamic stability) indicates that this missense variant is not expected to disrupt C1S protein function with a negative predictive value of 80%. In summary, the available evidence is currently insufficient to determine the role of this variant in disease. Therefore, it has been classified as a Variant of Uncertain Significance.

Ambry Genetics
Classification: Likely benign for Inborn genetic diseases. Last evaluated: 2022-12-01. Review status: criteria provided, single submitter. Criteria: Ambry Variant Classification Scheme 2023. Collection method: clinical testing. Allele origin: germline.

NM_001734.5(C1S):c.902A>C (p.Asn301Thr)

Gene: C1S (complement C1s; plus strand). Cytogenetic location: 12p13.31.
Variant type: single nucleotide variant.
Coding change: c.902A>C on transcript NM_001734.5 (MANE Select); coding-DNA position 902, A replaced by C.
Protein change: p.Asn301Thr; replaces asparagine 301 with threonine.
Molecular consequence: missense variant.
Genome position (GRCh38, 1-based): chr12:7,066,548, A>C. VCF-style: chr12-7066548-A-C. GRCh37 (hg19) VCF-style: chr12-7173852-A-C.
Other names: c.902A>C (NM_201442.2); c.401A>C, p.Asn134Thr (NM_001346850.2); c.902A>C, p.Asn301Thr (NM_201442.4); short protein forms N301T, N134T.
Identifiers: ClinVar variation 2177142 (VCV002177142.6), dbSNP rs782630063, ClinGen allele CA6423615.